The following is an entry in ClinVar:

ClinVar aggregate classification (germline): Uncertain significance. Review status: criteria provided, multiple submitters, no conflicts (2 of 4 stars). 2 submissions from 2 submitters: Uncertain significance (2). Last evaluated 2024-10-31.

Allele frequency attached by ClinVar (database versions not stated): TOPMed 0.00001; ExAC 0.00001; gnomAD 0.00002; gnomAD exomes 0.00001.
gnomAD v4.1: 6 of 1,613,938 alleles (0.00037%); highest among the groups gnomAD compares: African/African-American, 0.0067%; no homozygotes.

Submissions (2):

Athena Diagnostics
Classification: Uncertain significance. Last evaluated: 2024-10-31. Review status: criteria provided, single submitter. Criteria: Athena Diagnostics Criteria. Collection method: clinical testing. Allele origin: unknown.
Comment: Available data are insufficient to determine the clinical significance of the variant at this time. The frequency of this variant in the general population is uninformative in assessment of its pathogenicity. Polyphen and MutationTaster predict this amino acid change may be damaging to the protein.

GeneDx
Classification: Uncertain significance. Last evaluated: 2022-10-21. Review status: criteria provided, single submitter. Criteria: GeneDx Variant Classification Process June 2021. Collection method: clinical testing. Allele origin: germline. Affected: yes.
Comment: In silico analysis supports that this missense variant has a deleterious effect on protein structure/function; Has not been previously published as pathogenic or benign to our knowledge

NM_000026.4(ADSL):c.406G>A (p.Ala136Thr)

Gene: ADSL (adenylosuccinate lyase; plus strand). Cytogenetic location: 22q13.1.
Variant type: single nucleotide variant.
Coding change: c.406G>A on transcript NM_000026.4 (MANE Select); coding-DNA position 406, G replaced by A.
Protein change: p.Ala136Thr; replaces alanine 136 with threonine.
Molecular consequence: missense variant. On other transcripts: non-coding transcript variant (1).
Genome position (GRCh38, 1-based): chr22:40,354,251, G>A. VCF-style: chr22-40354251-G-A. GRCh37 (hg19) VCF-style: chr22-40750255-G-A.
Other names: c.406G>A, p.Ala136Thr (NM_001123378.3, NM_001363840.3); c.214G>A, p.Ala72Thr (NM_001317923.2); c.406G>A (NM_000026.3); short protein forms A136T, A72T.
Identifiers: ClinVar variation 388426 (VCV000388426.6), dbSNP rs773964967, ClinGen allele CA10247717.